The following is an entry in ClinVar:

NM_001379500.1(COL18A1):c.1318C>A (p.Pro440Thr)

Gene: COL18A1 (collagen type XVIII alpha 1 chain; plus strand). Cytogenetic location: 21q22.3.
Variant type: single nucleotide variant.
Coding change: c.1318C>A on transcript NM_001379500.1 (MANE Select); coding-DNA position 1318, C replaced by A.
Protein change: p.Pro440Thr; replaces proline 440 with threonine.
Molecular consequence: missense variant.
Genome position (GRCh38, 1-based): chr21:45,480,076, C>A. VCF-style: chr21-45480076-C-A. GRCh37 (hg19) VCF-style: chr21-46899990-C-A.
Other names: c.1858C>A, p.Pro620Thr (NM_030582.4); c.2563C>A, p.Pro855Thr (NM_130444.3); short protein forms P440T, P855T, P620T.
Identifiers: ClinVar variation 2014806 (VCV002014806.4), dbSNP rs2517622296, ClinGen allele CA410516878.

ClinVar aggregate classification (germline): Uncertain significance (1 of 4 stars; one submission).

Allele frequency attached by ClinVar (database versions not stated): gnomAD exomes below 0.00001.
gnomAD v4.1: 1 of 1,610,796 alleles (0.000062%); highest among the groups gnomAD compares: Non-Finnish European, 0.000085%; no homozygotes.

Submission:

Labcorp Genetics (formerly Invitae), Labcorp
Classification: Uncertain significance. Last evaluated: 2022-10-17. Review status: criteria provided, single submitter. Criteria: Invitae Variant Classification Sherloc (09022015). Collection method: clinical testing. Allele origin: germline.
Comment: This sequence change replaces proline, which is neutral and non-polar, with threonine, which is neutral and polar, at codon 440 of the COL18A1 protein (p.Pro440Thr). In summary, the available evidence is currently insufficient to determine the role of this variant in disease. Therefore, it has been classified as a Variant of Uncertain Significance. Experimental studies and prediction algorithms are not available or were not evaluated, and the functional significance of this variant is currently unknown. This variant has not been reported in the literature in individuals affected with COL18A1-related conditions. This variant is not present in population databases (gnomAD no frequency).